The following is an entry in ClinVar:

ClinVar aggregate classification (germline): Likely benign (1 of 4 stars; one submission).

Allele frequency attached by ClinVar (database versions not stated): TOPMed 0.00001.

Submission:

CeGaT Center for Human Genetics Tuebingen
Classification: Likely benign. Last evaluated: 2024-05-01. Review status: criteria provided, single submitter. Criteria: CeGaT Center For Human Genetics Tuebingen Variant Classification Criteria Version 2. Collection method: clinical testing. Allele origin: germline. Affected: yes. Observed: 1 variant allele.
Comment: PI4KA: BP4, BP7

NM_058004.4(PI4KA):c.3999C>T (p.Gly1333=)

Gene: PI4KA (phosphatidylinositol 4-kinase alpha; minus strand). Cytogenetic location: 22q11.21.
Variant type: single nucleotide variant.
Coding change: c.3999C>T on transcript NM_058004.4 (MANE Select); coding-DNA position 3999, C replaced by T.
Protein change: p.Gly1333=; no amino-acid change (glycine 1333 retained).
Molecular consequence: synonymous variant.
Genome position (GRCh38, 1-based): chr22:20,734,096, G>A on the plus strand (C>T on the coding strand, the complement: PI4KA is on the minus strand). VCF-style: chr22-20734096-G-A. GRCh37 (hg19) VCF-style: chr22-21088384-G-A.
Other names: c.3906C>T, p.Gly1302= (NM_001362862.2); c.3933C>T, p.Gly1311= (NM_001362863.2).
Identifiers: ClinVar variation 3239259 (VCV003239259.19), dbSNP rs879963252.